The following is an entry in ClinVar:

ClinVar aggregate classification (germline): Uncertain significance (1 of 4 stars; one submission).

Conditions:
Mitochondrial hypertrophic cardiomyopathy with lactic acidosis due to MTO1 deficiency. Also called: CARDIOMYOPATHY, INFANTILE HYPERTROPHIC MITOCHONDRIAL, AND LACTIC ACIDOSIS; Combined oxidative phosphorylation deficiency 10. Identifiers: Orphanet 314637, MedGen C4749921, MONDO:0013865, OMIM 614702.

Allele frequency attached by ClinVar (database versions not stated): gnomAD 0.00001; gnomAD exomes below 0.00001; ExAC 0.00001.
gnomAD v4.1: 2 of 1,614,048 alleles (0.00012%); highest among the groups gnomAD compares: African/African-American, 0.0027%; no homozygotes.

Submission:

Labcorp Genetics (formerly Invitae), Labcorp
Classification: Uncertain significance for Mitochondrial hypertrophic cardiomyopathy with lactic acidosis due to MTO1 deficiency. Last evaluated: 2022-09-06. Review status: criteria provided, single submitter. Criteria: Invitae Variant Classification Sherloc (09022015). Collection method: clinical testing. Allele origin: germline.
Comment: In summary, the available evidence is currently insufficient to determine the role of this variant in disease. Therefore, it has been classified as a Variant of Uncertain Significance. Algorithms developed to predict the effect of missense changes on protein structure and function are either unavailable or do not agree on the potential impact of this missense change (SIFT: "Tolerated"; PolyPhen-2: "Possibly Damaging"; Align-GVGD: "Class C0"). ClinVar contains an entry for this variant (Variation ID: 1510998). This variant has not been reported in the literature in individuals affected with MTO1-related conditions. This variant is present in population databases (rs747033959, gnomAD 0.007%). This sequence change replaces threonine, which is neutral and polar, with alanine, which is neutral and non-polar, at codon 145 of the MTO1 protein (p.Thr145Ala).

NM_012123.4(MTO1):c.433A>G (p.Thr145Ala)

Gene: MTO1 (mitochondrial tRNA translation optimization 1; plus strand). Cytogenetic location: 6q13.
Variant type: single nucleotide variant.
Coding change: c.433A>G on transcript NM_012123.4 (MANE Select); coding-DNA position 433, A replaced by G.
Protein change: p.Thr145Ala; replaces threonine 145 with alanine.
Molecular consequence: missense variant.
Genome position (GRCh38, 1-based): chr6:73,466,504, A>G. VCF-style: chr6-73466504-A-G. GRCh37 (hg19) VCF-style: chr6-74176227-A-G.
Other names: c.433A>G, p.Thr145Ala (NM_001123226.2, NM_133645.3); short protein forms T145A.
Identifiers: ClinVar variation 1510998 (VCV001510998.4), dbSNP rs747033959, ClinGen allele CA3889351.